The following is an entry in ClinVar:

ClinVar aggregate classification (germline): Likely pathogenic (1 of 4 stars; one submission).

Submission:

Labcorp Genetics (formerly Invitae), Labcorp
Classification: Likely pathogenic. Last evaluated: 2025-01-12. Review status: criteria provided, single submitter. Criteria: Invitae Variant Classification Sherloc (09022015). Collection method: clinical testing. Allele origin: germline.
Comment: This sequence change affects an acceptor splice site in intron 7 of the SMARCB1 gene. It is expected to disrupt RNA splicing. Variants that disrupt the donor or acceptor splice site typically lead to a loss of protein function (PMID: 16199547), and loss-of-function variants in SMARCB1 are known to be pathogenic (PMID: 10521299, 21208904). This variant is not present in population databases (gnomAD no frequency). This variant has not been reported in the literature in individuals affected with SMARCB1-related conditions. Algorithms developed to predict the effect of sequence changes on RNA splicing suggest that this variant may disrupt the consensus splice site. In summary, the currently available evidence indicates that the variant is pathogenic, but additional data are needed to prove that conclusively. Therefore, this variant has been classified as Likely Pathogenic.

Literature cited by the submitters: PubMed 16199547; PubMed 10521299; PubMed 21208904.

NM_003073.5(SMARCB1):c.987-1G>T

Gene: SMARCB1 (SWI/SNF related BAF chromatin remodeling complex subunit B1; plus strand). Cytogenetic location: 22q11.23.
Variant type: single nucleotide variant.
Coding change: c.987-1G>T on transcript NM_003073.5 (MANE Select); the canonical splice acceptor site of the intron before coding-DNA position 987, G replaced by T.
Molecular consequence: splice acceptor variant.
Genome position (GRCh38, 1-based): chr22:23,833,571, G>T. VCF-style: chr22-23833571-G-T. GRCh37 (hg19) VCF-style: chr22-24175758-G-T.
Other names: c.1041-1G>T (NM_001362877.2); c.1014-1G>T (NM_001317946.2); c.960-1G>T (NM_001007468.3).
Identifiers: ClinVar variation 3728842 (VCV003728842.2).